The following is an entry in ClinVar:

ClinVar aggregate classification (germline): Likely pathogenic (1 of 4 stars; one submission).

Conditions:
Short-rib thoracic dysplasia 10 with or without polydactyly (SRTD10). Identifiers: Orphanet 474, MedGen C3810175, MONDO:0014284, OMIM 615630.
Retinitis pigmentosa 71 (RP71). Identifiers: Orphanet 791, MedGen C4225342, MONDO:0014618, OMIM 616394.
Bardet-Biedl syndrome 20. Identifiers: MedGen C4310707, MONDO:0023670, OMIM 619471, MONDO:0014926.

Submission:

First Genomix Gene Laboratory, Genetic Diagnostics Department
Classification: Likely pathogenic for Bardet-Biedl syndrome 20; Retinitis pigmentosa 71; Short-rib thoracic dysplasia 10 with or without polydactyly. Last evaluated: 2025-04-09. Review status: criteria provided, single submitter. Criteria: ACMG Guidelines, 2015. Collection method: clinical testing. Allele origin: germline. Inheritance: Autosomal recessive inheritance. Affected: no. Observed: 1 variant allele.

NM_015662.3(IFT172):c.402+2del

Gene: IFT172 (intraflagellar transport 172; minus strand). Cytogenetic location: 2p23.3.
Variant type: Deletion.
Coding change: c.402+2del on transcript NM_015662.3 (MANE Select); the canonical splice donor site of the intron after coding-DNA position 402, one base deleted (T; older notation c.402+2delT).
Molecular consequence: splice donor variant.
Genome position (GRCh38, 1-based): chr2:27,483,870, A deleted on the plus strand (T on the coding strand, the reverse complement: IFT172 is on the minus strand). VCF-style (leftmost placement, unchanged base first): chr2-27483869-TA-T. GRCh37 (hg19) VCF-style: chr2-27706736-TA-T.
Other names: c.402+2del (NM_001410739.1); c.402+2delT (NM_015662.3).
Identifiers: ClinVar variation 4526600 (VCV004526600.1).